The following is an entry in ClinVar:

ClinVar aggregate classification (germline): Benign/Likely benign. Review status: criteria provided, multiple submitters, no conflicts (2 of 4 stars). 4 submissions from 4 submitters: Benign (1); Likely benign (3). Last evaluated 2025-08-10.

Conditions:
Hereditary cancer-predisposing syndrome. Also called: Neoplastic Syndromes, Hereditary; Hereditary neoplastic syndrome; Tumor predisposition; Hereditary Cancer Syndrome. Identifiers: Orphanet 140162, MedGen C0027672, MeSH D009386, MONDO:0015356.
Tuberous sclerosis syndrome (TSC). Also called: Tuberous Sclerosis Complex; Tuberous sclerosis. Identifiers: Orphanet 805, MedGen C0041341, MONDO:0001734.
Tuberous sclerosis 1 (TSC1). Identifiers: Orphanet 805, MedGen C1854465, MONDO:0008612, OMIM 191100.

Allele frequency attached by ClinVar (database versions not stated): gnomAD exomes below 0.00001; ExAC 0.00001.
gnomAD v4.1: 1 of 1,614,228 alleles (0.000062%); highest among the groups gnomAD compares: Non-Finnish European, 0.000085%; no homozygotes.

Submissions (4):

Color Diagnostics, LLC DBA Color Health
Classification: Likely benign for Tuberous sclerosis syndrome. Last evaluated: 2025-08-10. Review status: criteria provided, single submitter. Criteria: ACMG Guidelines, 2015. Collection method: clinical testing. Allele origin: germline.

Labcorp Genetics (formerly Invitae), Labcorp
Classification: Likely benign for Tuberous sclerosis 1. Last evaluated: 2025-05-14. Review status: criteria provided, single submitter. Criteria: Invitae Variant Classification Sherloc (09022015). Collection method: clinical testing. Allele origin: germline.

Myriad Genetics, Inc.
Classification: Benign for Tuberous sclerosis 1. Last evaluated: 2025-04-30. Review status: criteria provided, single submitter. Criteria: Myriad Autosomal Dominant, Autosomal Recessive and X-Linked Classification Criteria (2023). Collection method: clinical testing. Allele origin: unknown.
Comment: This variant is considered benign. This variant is a silent/synonymous amino acid change and it is not expected to impact splicing.

Ambry Genetics
Classification: Likely benign for Hereditary cancer-predisposing syndrome. Last evaluated: 2020-02-25. Review status: criteria provided, single submitter. Criteria: Ambry Variant Classification Scheme 2023. Collection method: clinical testing. Allele origin: germline.

NM_000368.5(TSC1):c.3403C>T (p.Leu1135=)

Gene: TSC1 (TSC complex subunit 1; minus strand). Cytogenetic location: 9q34.13.
Variant type: single nucleotide variant.
Coding change: c.3403C>T on transcript NM_000368.5 (MANE Select); coding-DNA position 3403, C replaced by T.
Protein change: p.Leu1135=; no amino-acid change (leucine 1135 retained).
Molecular consequence: synonymous variant.
Genome position (GRCh38, 1-based): chr9:132,896,327, G>A on the plus strand (C>T on the coding strand, the complement: TSC1 is on the minus strand). VCF-style: chr9-132896327-G-A. GRCh37 (hg19) VCF-style: chr9-135771714-G-A.
Other names: c.3400C>T, p.Leu1134= (NM_001162426.2); c.3250C>T, p.Leu1084= (NM_001162427.2); c.3040C>T, p.Leu1014= (NM_001362177.2).
Identifiers: ClinVar variation 1133464 (VCV001133464.12), dbSNP rs749612772, ClinGen allele CA036771.